The following is an entry in ClinVar:

ClinVar aggregate classification (germline): Uncertain significance. Review status: criteria provided, multiple submitters, no conflicts (2 of 4 stars). 2 submissions from 2 submitters: Uncertain significance (2). Last evaluated 2024-12-26.

Conditions:
Fanconi anemia (FA). Also called: Fanconi's anemia. Identifiers: Orphanet 84, MedGen C0015625, MeSH D005199, MONDO:0019391.
Fanconi anemia complementation group I (FANCI). Also called: FANCI-Related Fanconi Anemia. Identifiers: Orphanet 84, MedGen C1836861, MONDO:0012186, OMIM 609053.

Submissions (2):

Labcorp Genetics (formerly Invitae), Labcorp
Classification: Uncertain significance for Fanconi anemia. Last evaluated: 2024-12-26. Review status: criteria provided, single submitter. Criteria: Invitae Variant Classification Sherloc (09022015). Collection method: clinical testing. Allele origin: germline.
Comment: This sequence change replaces threonine, which is neutral and polar, with asparagine, which is neutral and polar, at codon 1283 of the FANCI protein (p.Thr1283Asn). This variant is not present in population databases (gnomAD no frequency). This variant has not been reported in the literature in individuals affected with FANCI-related conditions. Invitae Evidence Modeling of protein sequence and biophysical properties (such as structural, functional, and spatial information, amino acid conservation, physicochemical variation, residue mobility, and thermodynamic stability) indicates that this missense variant is expected to disrupt FANCI protein function with a positive predictive value of 80%. In summary, the available evidence is currently insufficient to determine the role of this variant in disease. Therefore, it has been classified as a Variant of Uncertain Significance.

Fulgent Genetics
Classification: Uncertain significance for Fanconi anemia complementation group I. Last evaluated: 2023-12-23. Review status: criteria provided, single submitter. Criteria: ACMG Guidelines, 2015. Collection method: clinical testing. Allele origin: germline.

NM_001113378.2(FANCI):c.3848C>A (p.Thr1283Asn)

Gene: FANCI (FA complementation group I; plus strand). Cytogenetic location: 15q26.1.
Variant type: single nucleotide variant.
Coding change: c.3848C>A on transcript NM_001113378.2 (MANE Select); coding-DNA position 3848, C replaced by A.
Protein change: p.Thr1283Asn; replaces threonine 1283 with asparagine.
Molecular consequence: missense variant.
Genome position (GRCh38, 1-based): chr15:89,315,313, C>A. VCF-style: chr15-89315313-C-A. GRCh37 (hg19) VCF-style: chr15-89858544-C-A.
Other names: c.3569C>A, p.Thr1190Asn (NM_001376910.1); c.3848C>A, p.Thr1283Asn (NM_001376911.1); c.3668C>A, p.Thr1223Asn (NM_018193.3); short protein forms T1190N, T1223N, T1283N.
Identifiers: ClinVar variation 3577986 (VCV003577986.3).
Genomic context (GRCh38, chr15:89,315,313, plus strand): 5'-GATGTCCCATGCTTACAATCTTGTCATAGGTGAACCTGATGCAGCACATGAAGCTCAGCA[C>A]CTCACGAGACTTCAAGATCAAAGGAAACATCCTAGACATGGTTCTTCGAGAGGATGGTGA-3'
Protein context (NP_001106849.1, residues 1273-1293): VNLMQHMKLS[Thr1283Asn]SRDFKIKGNI